The following is an entry in ClinVar:

NM_001079559.3(HNRNPUL2):c.656del (p.Glu219fs)

Genes: HNRNPUL2 (heterogeneous nuclear ribonucleoprotein U like 2; minus strand), HNRNPUL2-BSCL2 (HNRNPUL2-BSCL2 readthrough (NMD candidate); minus strand). Cytogenetic location: 11q12.3.
Variant type: Deletion.
Coding change: c.656del on transcript NM_001079559.3 (MANE Select); coding-DNA position 656, one base deleted (A; older notation c.656delA).
Protein change: p.Glu219fs; shifts the reading frame from glutamic acid 219.
Molecular consequence: frameshift variant. On other transcripts: non-coding transcript variant (1).
Genome position (GRCh38, 1-based): chr11:62,724,309, T deleted on the plus strand (A on the coding strand, the reverse complement: HNRNPUL2 is on the minus strand). VCF-style (leftmost placement, unchanged base first): chr11-62724308-CT-C. GRCh37 (hg19) VCF-style: chr11-62491780-CT-C.
Other names: short protein forms E219fs.
Identifiers: ClinVar variation 4271569 (VCV004271569.1).

ClinVar aggregate classification (germline): Pathogenic (1 of 4 stars; one submission).

Conditions:
Inborn genetic diseases. Identifiers: MedGen C0950123, MeSH D030342.

Submission:

Ambry Genetics
Classification: Pathogenic for Inborn genetic diseases. Last evaluated: 2025-07-22. Review status: criteria provided, single submitter. Criteria: Ambry Variant Classification Scheme 2023. Collection method: clinical testing. Allele origin: germline.
Comment: The c.656delA (p.E219Gfs*28) alteration, located in coding exon 2 of the HNRNPUL2 gene, consists of a deletion of one nucleotide at position 656, causing a translational frameshift with a predicted alternate stop codon after 28 amino acids. This alteration is expected to result in loss of function by premature protein truncation or nonsense-mediated mRNA decay. This variant was not reported in population-based cohorts in the Genome Aggregation Database (gnomAD). Based on the available evidence, this alteration is classified as pathogenic.